The following is an entry in ClinVar:

NM_000482.4(APOA4):c.1057T>G (p.Ser353Ala)

Gene: APOA4 (apolipoprotein A4; minus strand). Cytogenetic location: 11q23.3.
Variant type: single nucleotide variant.
Coding change: c.1057T>G on transcript NM_000482.4 (MANE Select); coding-DNA position 1057, T replaced by G.
Protein change: p.Ser353Ala; replaces serine 353 with alanine.
Molecular consequence: missense variant.
Genome position (GRCh38, 1-based): chr11:116,821,001, A>C on the plus strand (T>G on the coding strand, the complement: APOA4 is on the minus strand). VCF-style: chr11-116821001-A-C. GRCh37 (hg19) VCF-style: chr11-116691717-A-C.
Other names: short protein forms S353A.
Identifiers: ClinVar variation 710015 (VCV000710015.18), dbSNP rs146353487, ClinGen allele CA6289249.

ClinVar aggregate classification (germline): Benign/Likely benign. Review status: criteria provided, multiple submitters, no conflicts (2 of 4 stars). 4 submissions from 4 submitters: Benign (3); Likely benign (1). Last evaluated 2026-01-19.

Allele frequency attached by ClinVar (database versions not stated): gnomAD exomes 0.00083 and 0.00183; ExAC 0.00240; gnomAD 0.00766 and 0.00816; TOPMed 0.00858; ESP Exome Variant Server 0.00870; 1000 Genomes Project 0.00978; 1000 Genomes Project 30x 0.00999.
gnomAD v4.1: 2,444 of 1,614,190 alleles (0.15%); highest among the groups gnomAD compares: African/African-American, 2.8%; 33 homozygotes.

Submissions (4):

Labcorp Genetics (formerly Invitae), Labcorp
Classification: Benign. Last evaluated: 2026-01-19. Review status: criteria provided, single submitter. Criteria: Invitae Variant Classification Sherloc (09022015). Collection method: clinical testing. Allele origin: germline.

Genomic Medicine Center of Excellence, King Faisal Specialist Hospital and Research Centre
Classification: Likely benign. Last evaluated: 2025-08-18. Review status: criteria provided, single submitter. Criteria: ACMG Guidelines, 2015. Collection method: clinical testing. Allele origin: germline.

CeGaT Center for Human Genetics Tuebingen
Classification: Benign. Last evaluated: 2025-04-01. Review status: criteria provided, single submitter. Criteria: CeGaT Center For Human Genetics Tuebingen Variant Classification Criteria Version 2. Collection method: clinical testing. Allele origin: germline. Affected: yes. Observed: 1 variant allele.
Comment: APOA4: BP4, BS1, BS2

Breakthrough Genomics
Classification: Benign. Review status: criteria provided, single submitter. Criteria: ACMG Guidelines, 2015. Collection method: not provided. Allele origin: germline. Inheritance: Unknown mechanism. Affected: yes.